The following is an entry in ClinVar:

NM_001042492.3(NF1):c.3258G>A (p.Gln1086=)

Gene: NF1 (neurofibromin 1; plus strand). Cytogenetic location: 17q11.2.
Variant type: single nucleotide variant.
Coding change: c.3258G>A on transcript NM_001042492.3 (MANE Select); coding-DNA position 3258, G replaced by A.
Protein change: p.Gln1086=; no amino-acid change (glutamine 1086 retained).
Molecular consequence: synonymous variant.
Genome position (GRCh38, 1-based): chr17:31,232,133, G>A. VCF-style: chr17-31232133-G-A. GRCh37 (hg19) VCF-style: chr17-29559151-G-A.
Other names: c.3258G>A, p.Gln1086= (NM_000267.4).
Identifiers: ClinVar variation 233927 (VCV000233927.11), dbSNP rs876660736, ClinGen allele CA10580278.

ClinVar aggregate classification (germline): Likely benign. Review status: criteria provided, multiple submitters, no conflicts (2 of 4 stars). 3 submissions from 3 submitters: Likely benign (3). Last evaluated 2025-11-22.

Conditions:
Hereditary cancer-predisposing syndrome. Also called: Tumor predisposition; Hereditary Cancer Syndrome; Hereditary neoplastic syndrome; Neoplastic Syndromes, Hereditary. Identifiers: Orphanet 140162, MedGen C0027672, MeSH D009386, MONDO:0015356.
Neurofibromatosis, type 1 (NF1). Also called: VON RECKLINGHAUSEN DISEASE; NEUROFIBROMATOSIS, TYPE I, SOMATIC; Peripheral type neurofibromatosis; Neurofibromatosis, type I. Identifiers: Orphanet 636, MedGen C0027831, MONDO:0018975, OMIM 162200. Disease mechanism: loss of function.

gnomAD v4.1: 1 of 1,599,610 alleles (0.000063%); highest among the groups gnomAD compares: Middle Eastern, 0.017%; no homozygotes.

Submissions (3):

Labcorp Genetics (formerly Invitae), Labcorp
Classification: Likely benign for Neurofibromatosis, type 1. Last evaluated: 2025-11-22. Review status: criteria provided, single submitter. Criteria: Invitae Variant Classification Sherloc (09022015). Collection method: clinical testing. Allele origin: germline.

Genome-Nilou Lab
Classification: Likely benign for Neurofibromatosis, type 1. Last evaluated: 2022-03-15. Review status: criteria provided, single submitter. Criteria: ACMG Guidelines, 2015. Collection method: clinical testing. Allele origin: germline. Affected: no.

Ambry Genetics
Classification: Likely benign for Hereditary cancer-predisposing syndrome. Last evaluated: 2015-09-13. Review status: criteria provided, single submitter. Criteria: Ambry Autosomal Dominant and X-Linked criteria (10/2015). Collection method: clinical testing. Allele origin: germline. Observed: 1 variant allele.
Comment: Synonymous alterations with insufficient evidence to classify as benign